The following is an entry in ClinVar:

ClinVar aggregate classification (germline): Likely benign (1 of 4 stars; one submission).

Allele frequency attached by ClinVar (database versions not stated): TOPMed 0.00056; ESP Exome Variant Server 0.00085; gnomAD exomes 0.00204; 1000 Genomes Project 30x 0.00265; 1000 Genomes Project 0.00339; gnomAD 0.00347; ExAC 0.00373.
gnomAD v4.1: 3,483 of 1,614,036 alleles (0.22%); highest among the groups gnomAD compares: South Asian, 0.28%; 31 homozygotes.

Submission:

CeGaT Center for Human Genetics Tuebingen
Classification: Likely benign. Last evaluated: 2023-02-01. Review status: criteria provided, single submitter. Criteria: CeGaT Center For Human Genetics Tuebingen Variant Classification Criteria Version 2. Collection method: clinical testing. Allele origin: germline. Affected: yes. Observed: 1 variant allele.
Comment: DOCK5: BP4, BP7, BS2

NM_024940.8(DOCK5):c.5322A>G (p.Leu1774=)

Gene: DOCK5 (dedicator of cytokinesis 5; plus strand). Cytogenetic location: 8p21.2.
Variant type: single nucleotide variant.
Coding change: c.5322A>G on transcript NM_024940.8 (MANE Select); coding-DNA position 5322, A replaced by G.
Protein change: p.Leu1774=; no amino-acid change (leucine 1774 retained).
Molecular consequence: synonymous variant.
Genome position (GRCh38, 1-based): chr8:25,408,858, A>G. VCF-style: chr8-25408858-A-G. GRCh37 (hg19) VCF-style: chr8-25266374-A-G.
Identifiers: ClinVar variation 2658492 (VCV002658492.24), dbSNP rs138659788, ClinGen allele CA4683493.